The following is an entry in ClinVar:

NM_020312.4(COQ9):c.551A>T (p.Asp184Val)

Gene: COQ9 (coenzyme Q9; plus strand). Cytogenetic location: 16q21.
Variant type: single nucleotide variant.
Coding change: c.551A>T on transcript NM_020312.4 (MANE Select); coding-DNA position 551, A replaced by T.
Protein change: p.Asp184Val; replaces aspartic acid 184 with valine.
Molecular consequence: missense variant.
Genome position (GRCh38, 1-based): chr16:57,456,960, A>T. VCF-style: chr16-57456960-A-T. GRCh37 (hg19) VCF-style: chr16-57490872-A-T.
Other names: short protein forms D184V.
Identifiers: ClinVar variation 3663444 (VCV003663444.2).
Genomic context (GRCh38, chr16:57,456,960, plus strand): 5'-GAGACACACTGTTTTCTTTTCCCTCTTCCAGGAAGAGGAAGACAGACCAGTTCCTGAGGG[A>T]TGCAGTGGAAACCAGACTGAGAATGCTGATCCCATACATTGAGCACTGGCCCCGGGTACC-3'
Protein context (NP_064708.1, residues 174-194): EKRKTDQFLR[Asp184Val]AVETRLRMLI

ClinVar aggregate classification (germline): Uncertain significance (1 of 4 stars; one submission).

Submission:

Labcorp Genetics (formerly Invitae), Labcorp
Classification: Uncertain significance. Last evaluated: 2024-11-18. Review status: criteria provided, single submitter. Criteria: Invitae Variant Classification Sherloc (09022015). Collection method: clinical testing. Allele origin: germline.
Comment: This sequence change replaces aspartic acid, which is acidic and polar, with valine, which is neutral and non-polar, at codon 184 of the COQ9 protein (p.Asp184Val). This variant is not present in population databases (gnomAD no frequency). This variant has not been reported in the literature in individuals affected with COQ9-related conditions. An algorithm developed to predict the effect of missense changes on protein structure and function (PolyPhen-2) suggests that this variant is likely to be disruptive. In summary, the available evidence is currently insufficient to determine the role of this variant in disease. Therefore, it has been classified as a Variant of Uncertain Significance.